The following is an entry in ClinVar:

ClinVar aggregate classification (germline): Uncertain significance (1 of 4 stars; one submission).

Conditions:
Long QT syndrome (LQTS). Identifiers: MedGen C0023976, MeSH D008133, MONDO:0002442. Disease mechanism: loss of function. Inheritance: Various modes of inheritance.

Allele frequency attached by ClinVar (database versions not stated): gnomAD exomes 0.00001.
gnomAD v4.1: 4 of 1,613,978 alleles (0.00025%); highest among the groups gnomAD compares: Middle Eastern, 0.033%; no homozygotes.

Submission:

Labcorp Genetics (formerly Invitae), Labcorp
Classification: Uncertain significance for Long QT syndrome. Last evaluated: 2023-05-18. Review status: criteria provided, single submitter. Criteria: Invitae Variant Classification Sherloc (09022015). Collection method: clinical testing. Allele origin: germline.
Comment: An algorithm developed to predict the effect of missense changes on protein structure and function (PolyPhen-2) suggests that this variant is likely to be disruptive. This sequence change replaces lysine, which is basic and polar, with asparagine, which is neutral and polar, at codon 1794 of the ANK2 protein (p.Lys1794Asn). This variant is not present in population databases (gnomAD no frequency). This variant has not been reported in the literature in individuals affected with ANK2-related conditions. In summary, the available evidence is currently insufficient to determine the role of this variant in disease. Therefore, it has been classified as a Variant of Uncertain Significance.

NM_001148.6(ANK2):c.5382G>C (p.Lys1794Asn)

Genes: ANK2 (ankyrin 2; plus strand), LOC126807136 (MED14-independent group 3 enhancer GRCh37_chr4:114274931-114276130; plus strand). Cytogenetic location: 4q26.
Variant type: single nucleotide variant.
Coding change: c.5382G>C on transcript NM_001148.6 (MANE Select); coding-DNA position 5382, G replaced by C.
Protein change: p.Lys1794Asn; replaces lysine 1794 with asparagine.
Molecular consequence: missense variant. On other transcripts: intron variant (68).
Genome position (GRCh38, 1-based): chr4:113,354,000, G>C. VCF-style: chr4-113354000-G-C. GRCh37 (hg19) VCF-style: chr4-114275156-G-C.
Other names: c.4207+3751G>C (NM_001386146.1, NM_001386150.1, NM_001386149.1 and 1 more transcripts); c.4192+3751G>C (NM_001354274.2, NM_001386154.1); c.4141+3751G>C (NM_001386151.1, NM_001354260.2, NM_001354271.2); c.4042+3751G>C (NM_001386157.1, NM_001354277.2); c.4360+3751G>C (NM_001386161.1, NM_001354244.2, NM_001354256.2); c.4285+3751G>C (NM_001354261.2); c.4165+3751G>C (NM_001386156.1, NM_001354257.2); c.4261+3751G>C (NM_001354264.2); and 35 more; short protein forms K1716N, K1794N, K1833N, K1841N, K594N.
Identifiers: ClinVar variation 2805349 (VCV002805349.3), dbSNP rs1397394462, ClinGen allele CA357919137.
Genomic context (GRCh38, chr4:113,354,000, plus strand): 5'-GAAGCGAGTGGAAGATGAACAGAAAGGTCGAAGCAAGTTGCCCATCAGAGTCAAAGGCAA[G>C]GAGGACGTGCCAAAAAAGACCACCCACAGGCCACATCCAGCTGCGTCACCCTCTCTGAAG-3'
Protein context (NP_001139.3, residues 1784-1804): RSKLPIRVKG[Lys1794Asn]EDVPKKTTHR